The following is an entry in ClinVar:

ClinVar aggregate classification (germline): Likely pathogenic (1 of 4 stars; one submission).

Conditions:
Severe intellectual disability-poor language-strabismus-grimacing face-long fingers syndrome (GAND). Also called: GAND SYNDROME. Identifiers: Orphanet 363686, MedGen C3554448, MONDO:0014034, OMIM 615074.

Submission:

Baylor Genetics
Classification: Likely pathogenic for Severe intellectual disability-poor language-strabismus-grimacing face-long fingers syndrome. Last evaluated: 2019-04-18. Review status: criteria provided, single submitter. Criteria: ACMG Guidelines, 2015. Collection method: clinical testing. Allele origin: de novo. Affected: yes.
Comment: This variant was determined to be likely pathogenic according to ACMG Guidelines, 2015 [PMID:25741868].

NM_020699.4(GATAD2B):c.1780T>C (p.Ter594Gln)

Gene: GATAD2B (GATA zinc finger domain containing 2B; minus strand). Cytogenetic location: 1q21.3.
Variant type: single nucleotide variant.
Coding change: c.1780T>C on transcript NM_020699.4 (MANE Select); coding-DNA position 1780, T replaced by C.
Protein change: p.Ter594Gln.
Molecular consequence: stop lost.
Genome position (GRCh38, 1-based): chr1:153,810,179, A>G on the plus strand (T>C on the coding strand, the complement: GATAD2B is on the minus strand). VCF-style: chr1-153810179-A-G. GRCh37 (hg19) VCF-style: chr1-153782655-A-G.
Identifiers: ClinVar variation 1029765 (VCV001029765.1), dbSNP rs1674245097, ClinGen allele CA342580153.